The following is an entry in ClinVar:

NM_015338.6(ASXL1):c.581A>C (p.His194Pro)

Gene: ASXL1 (ASXL transcriptional regulator 1; plus strand). Cytogenetic location: 20q11.21.
Variant type: single nucleotide variant.
Coding change: c.581A>C on transcript NM_015338.6 (MANE Select); coding-DNA position 581, A replaced by C.
Protein change: p.His194Pro; replaces histidine 194 with proline.
Molecular consequence: missense variant. On other transcripts: intron variant (1).
Genome position (GRCh38, 1-based): chr20:32,429,916, A>C. VCF-style: chr20-32429916-A-C. GRCh37 (hg19) VCF-style: chr20-31017719-A-C.
Other names: c.535+485A>C (NM_001363734.1); short protein forms H194P.
Identifiers: ClinVar variation 2968196 (VCV002968196.3), dbSNP rs771351026, ClinGen allele CA9808143.

ClinVar aggregate classification (germline): Uncertain significance (1 of 4 stars; one submission).

gnomAD v4.1: 35 of 1,608,050 alleles (0.0022%); highest among the groups gnomAD compares: Non-Finnish European, 0.0028%; no homozygotes.

Submission:

Labcorp Genetics (formerly Invitae), Labcorp
Classification: Uncertain significance. Last evaluated: 2024-08-05. Review status: criteria provided, single submitter. Criteria: Invitae Variant Classification Sherloc (09022015). Collection method: clinical testing. Allele origin: germline.
Comment: This sequence change replaces histidine, which is basic and polar, with proline, which is neutral and non-polar, at codon 194 of the ASXL1 protein (p.His194Pro). This variant is present in population databases (rs771351026, gnomAD 0.005%). This variant has not been reported in the literature in individuals affected with ASXL1-related conditions. An algorithm developed to predict the effect of missense changes on protein structure and function (PolyPhen-2) suggests that this variant is likely to be disruptive. In summary, the available evidence is currently insufficient to determine the role of this variant in disease. Therefore, it has been classified as a Variant of Uncertain Significance.